The following is an entry in ClinVar:

NM_001267550.2(TTN):c.57215del (p.Gly19072fs)

Genes: TTN-AS1 (TTN antisense RNA 1; plus strand), TTN (titin; minus strand). Cytogenetic location: 2q31.2.
Variant type: Deletion.
Coding change: c.57215del on transcript NM_001267550.2 (MANE Select); coding-DNA position 57215, one base deleted (G; older notation c.57215delG).
Protein change: p.Gly19072fs; shifts the reading frame from glycine 19072.
Molecular consequence: frameshift variant.
Genome position (GRCh38, 1-based): chr2:178,597,955, C deleted on the plus strand (G on the coding strand, the reverse complement: TTN is on the minus strand); the first of 2 consecutive C bases (chr2:178,597,955-178,597,956); deleting either gives the same sequence. VCF-style (leftmost placement, unchanged base first): chr2-178597954-TC-T. GRCh37 (hg19) VCF-style: chr2-179462681-TC-T.
Other names: c.49511delG (NM_133378.4); c.52292del, p.Gly17431fs (NM_001256850.1); c.30020del, p.Gly10007fs (NM_003319.4); c.49511del, p.Gly16504fs (NM_133378.4); c.30395del, p.Gly10132fs (NM_133432.3); c.30596del, p.Gly10199fs (NM_133437.4); short protein forms G10007fs, G16504fs, G19072fs, G10132fs, G10199fs, G17431fs.
Identifiers: ClinVar variation 47119 (VCV000047119.7), dbSNP rs397517628, ClinGen allele CA261882.

ClinVar aggregate classification (germline): Pathogenic/Likely pathogenic. Review status: criteria provided, multiple submitters, no conflicts (2 of 4 stars). 3 submissions from 3 submitters: Pathogenic (1); Likely pathogenic (2). Last evaluated 2026-02-06.

Conditions:
Autosomal recessive titinopathy. Identifiers: MedGen CN315649, MONDO:0100493.
Dilated cardiomyopathy 1G (CMD1G). Identifiers: Orphanet 154, MedGen C1858763, MONDO:0011400, OMIM 604145.
Autosomal recessive limb-girdle muscular dystrophy type 2J (LGMDR10). Also called: Limb-girdle muscular dystrophy, type 2J; MUSCULAR DYSTROPHY, LIMB-GIRDLE, AUTOSOMAL RECESSIVE 10. Identifiers: Orphanet 140922, MedGen C1837342, MONDO:0012127, OMIM 608807.
Primary dilated cardiomyopathy (DCM). Also called: Dilated Cardiomyopathy. Identifiers: Orphanet 217604, MedGen C0007193, MeSH D002311, MONDO:0005021, HP:0001644. Inheritance: Various modes of inheritance.

Submissions (3):

Myofin, Folkhalsan Research Center
Classification: Pathogenic for Autosomal recessive titinopathy. Last evaluated: 2026-02-06. Review status: criteria provided, single submitter. Criteria: ACMG Guidelines, 2015. Collection method: research. Allele origin: germline. Affected: yes.
Comment: TTN loss-of-function is an established mechanism for autosomal recessive titinopathies. ACMG/AMP criteria applied: PVS1 (predicted loss of function), PM2_Supporting (absent/rare in population databases), and PP4_Supporting (highly consistent clinical phenotype). Overall classification: Pathogenic for recessive titinopathy.

Labcorp Genetics (formerly Invitae), Labcorp
Classification: Likely pathogenic for Dilated cardiomyopathy 1G; Autosomal recessive limb-girdle muscular dystrophy type 2J. Last evaluated: 2025-09-09. Review status: criteria provided, single submitter. Criteria: Invitae Variant Classification Sherloc (09022015). Collection method: clinical testing. Allele origin: germline.
Comment: This sequence change creates a premature translational stop signal (p.Gly19072Glufs*12) in the TTN gene. While this is not anticipated to result in nonsense mediated decay, it is expected to create a truncated TTN protein. This variant is not present in population databases (gnomAD no frequency). This premature translational stop signal has been observed in individual(s) with dilated cardiomyopathy (PMID: 24503780). This variant is also known as c.49511delG (p.Gly16504GlufsX12). ClinVar contains an entry for this variant (Variation ID: 47119). This variant is located in the A band of TTN (PMID: 25589632). Truncating variants in this region are significantly overrepresented in patients affected with dilated cardiomyopathy (PMID: 25589632). Truncating variants in this region have also been reported in individuals affected with autosomal recessive centronuclear myopathy (PMID: 23975875). In summary, the currently available evidence indicates that the variant is pathogenic, but additional data are needed to prove that conclusively. Therefore, this variant has been classified as Likely Pathogenic.

Laboratory for Molecular Medicine, Mass General Brigham Personalized Medicine
Classification: Likely pathogenic for Primary dilated cardiomyopathy. Last evaluated: 2020-12-21. Review status: criteria provided, single submitter. Criteria: LMM Criteria. Collection method: clinical testing. Allele origin: germline. Inheritance: Autosomal dominant inheritance. Observed: 2 variant alleles.
Comment: This variant is predicted to cause a frameshift, which alters the protein's amino acid sequence beginning at codon 16504 and leads to a premature termination 12 codons downstream. This alteration is then predicted to lead to a truncated protein. Frameshift and other truncating variants in TTN are strongly associated with dilated cardiomyopathy (DCM), particularly if they are located in the exons encoding for the A-band (Herman 2012 PMID:22335739, Pugh 2014 PMID:24503780) and/or are located in an exon that is highly expressed in the heart (Roberts 2015 PMID:25589632), which is the case for the p.Gly16504GlufsX12 variant. In summary, although additional studies are required to fully establish its clinical significance, this variant meets criteria to be classified as likely pathogenic for autosomal dominant DCM. ACMG/AMP Criteria applied: PM2_supporting, PVS1.

Literature cited by the submitters: DOI 10.1101/2025.07.17.25331134 (cited by Myofin, Folkhalsan Research Center); PubMed 24503780 (cited by Labcorp Genetics (formerly Invitae), Labcorp and Laboratory for Molecular Medicine, Mass General Brigham Personalized Medicine); PubMed 25589632 (cited by Labcorp Genetics (formerly Invitae), Labcorp and Laboratory for Molecular Medicine, Mass General Brigham Personalized Medicine); PubMed 23975875 (cited by Labcorp Genetics (formerly Invitae), Labcorp); PubMed 22335739 (cited by Laboratory for Molecular Medicine, Mass General Brigham Personalized Medicine).